The following is an entry in ClinVar:

NM_002691.4(POLD1):c.2571T>G (p.Pro857=)

Gene: POLD1 (DNA polymerase delta 1, catalytic subunit; plus strand). Cytogenetic location: 19q13.33.
Variant type: single nucleotide variant.
Coding change: c.2571T>G on transcript NM_002691.4 (MANE Select); coding-DNA position 2571, T replaced by G.
Protein change: p.Pro857=; no amino-acid change (proline 857 retained).
Molecular consequence: synonymous variant. On other transcripts: non-coding transcript variant (1).
Genome position (GRCh38, 1-based): chr19:50,415,444, T>G. VCF-style: chr19-50415444-T-G. GRCh37 (hg19) VCF-style: chr19-50918701-T-G.
Other names: c.2571T>G, p.Pro857= (NM_001256849.1); c.2649T>G, p.Pro883= (NM_001308632.1).
Identifiers: ClinVar variation 794967 (VCV000794967.15), dbSNP rs1410306750, ClinGen allele CA508305229.

ClinVar aggregate classification (germline): Likely benign. Review status: criteria provided, multiple submitters, no conflicts (2 of 4 stars). 3 submissions from 3 submitters: Likely benign (2). 1 of the submissions does not count toward it. Last evaluated 2025-11-22.

Conditions:
POLD1-related disorder. Also called: POLD1-related disorders; POLD1-related condition.
POLD1-related polyposis and colorectal cancer syndrome (CRCS10). Also called: Colorectal cancer, susceptibility to, 10; Colorectal cancer 10; COLORECTAL CANCER, SUSCEPTIBILITY TO, ON CHROMOSOME 19q. Identifiers: Orphanet 220460, MedGen C2675481, MONDO:0012953, OMIM 612591.
Hereditary cancer-predisposing syndrome. Also called: Hereditary Cancer Syndrome; Hereditary neoplastic syndrome; Neoplastic Syndromes, Hereditary; Tumor predisposition. Identifiers: Orphanet 140162, MedGen C0027672, MeSH D009386, MONDO:0015356.

Allele frequency attached by ClinVar (database versions not stated): gnomAD exomes below 0.00001.
gnomAD v4.1: 4 of 1,612,542 alleles (0.00025%); highest among the groups gnomAD compares: Non-Finnish European, 0.00034%; no homozygotes.

Submissions (3):

Labcorp Genetics (formerly Invitae), Labcorp
Classification: Likely benign for POLD1-related polyposis and colorectal cancer syndrome. Last evaluated: 2025-11-22. Review status: criteria provided, single submitter. Criteria: Invitae Variant Classification Sherloc (09022015). Collection method: clinical testing. Allele origin: germline.

Ambry Genetics
Classification: Likely benign for Hereditary cancer-predisposing syndrome. Last evaluated: 2018-11-14. Review status: criteria provided, single submitter. Criteria: Ambry Variant Classification Scheme 2023. Collection method: clinical testing. Allele origin: germline.

PreventionGenetics, part of Exact Sciences
Classification: Likely benign for POLD1-related condition. Last evaluated: 2019-06-18. Review status: no assertion criteria provided. Collection method: clinical testing. Allele origin: germline. Not counted in ClinVar's aggregate classification.
Comment: This variant is classified as likely benign based on ACMG/AMP sequence variant interpretation guidelines (Richards et al. 2015 PMID: 25741868, with internal and published modifications).